The following is an entry in ClinVar:

NM_001201380.3(CNTNAP3B):c.88G>A (p.Asp30Asn)

Gene: CNTNAP3B (contactin associated protein family member 3B; minus strand). Cytogenetic location: 9p11.2.
Variant type: single nucleotide variant.
Coding change: c.88G>A on transcript NM_001201380.3 (MANE Select); coding-DNA position 88, G replaced by A.
Protein change: p.Asp30Asn; replaces aspartic acid 30 with asparagine.
Molecular consequence: missense variant.
Genome position (GRCh38, 1-based): chr9:42,104,737, C>T on the plus strand (G>A on the coding strand, the complement: CNTNAP3B is on the minus strand). VCF-style: chr9-42104737-C-T. GRCh37 (hg19) VCF-style: chr9-43709652-G-A.
Other names: short protein forms D30N.
Identifiers: ClinVar variation 4655207 (VCV004655207.1).

ClinVar aggregate classification (germline): Uncertain significance (1 of 4 stars; one submission).

Submission:

Ambry Genetics
Classification: Uncertain significance. Last evaluated: 2025-12-09. Review status: criteria provided, single submitter. Criteria: Ambry Variant Classification Scheme 2023. Collection method: clinical testing. Allele origin: germline.
Comment: The c.88G>A (p.D30N) alteration is located in exon 2 (coding exon 2) of the CNTNAP3B gene. This alteration results from a G to A substitution at nucleotide position 88, causing the aspartic acid (D) at amino acid position 30 to be replaced by an asparagine (N). Based on data from gnomAD, the A allele has an overall frequency of 0.002% (3/158658) total alleles studied. The highest observed frequency was 0.015% (3/20576) of Latino alleles. Based on insufficient or conflicting evidence, the clinical significance of this alteration remains unclear.